The following is an entry in ClinVar:

ClinVar aggregate classification (germline): Pathogenic. Review status: criteria provided, multiple submitters, no conflicts (2 of 4 stars). 4 submissions from 4 submitters: Pathogenic (3). 1 of the submissions does not count toward it. Last evaluated 2025-01-28.

Conditions:
Methylmalonic aciduria due to complete methylmalonyl-CoA mutase deficiency.
Methylmalonic aciduria due to methylmalonyl-CoA mutase deficiency (MAMM). Also called: Methylmalonic aciduria, mut type. Identifiers: Orphanet 27, MedGen C1855114, MONDO:0009612, OMIM 251000.
Methylmalonic acidemia (MMA). Also called: Isolated Methylmalonic Acidemia. Identifiers: MedGen C0268583, MeSH C537358, MONDO:0002012, HP:0002912.

Allele frequency attached by ClinVar (database versions not stated): gnomAD 0.00001; TOPMed 0.00001.
gnomAD v4.1: 7 of 1,613,934 alleles (0.00043%); highest among the groups gnomAD compares: Non-Finnish European, 0.00059%; no homozygotes.

Submissions (4):

Natera, Inc.
Classification: Pathogenic for Methylmalonic aciduria due to complete methylmalonyl-CoA mutase deficiency. Last evaluated: 2025-01-28. Review status: criteria provided, single submitter. Criteria: Natera Variant Classification Schema (03/2026). Collection method: clinical testing. Allele origin: germline.
Comment: The c.1287C>G variant in MMUT is a nonsense variant predicted to introduce a stop codon at amino acid 429. This variant is expected to result in nonsense mediated decay, truncation, or a dysfunctional protein product. This variant is rare in the general population with a frequency below the threshold expected for the associated phenotype(s). This variant has been observed in one or more individuals affected with the associated recessive disease, as either homozygous or compound heterozygous with a second variant (PMID: 16281286). Given the available evidence, this variant is classified as Pathogenic.

Labcorp Genetics (formerly Invitae), Labcorp
Classification: Pathogenic. Last evaluated: 2023-05-22. Review status: criteria provided, single submitter. Criteria: Invitae Variant Classification Sherloc (09022015). Collection method: clinical testing. Allele origin: germline.
Comment: This premature translational stop signal has been observed in individuals with cobalamin nonresponsive methylmalonic acidemia (PMID: 16281286). ClinVar contains an entry for this variant (Variation ID: 554278). For these reasons, this variant has been classified as Pathogenic. This variant is present in population databases (no rsID available, gnomAD 0.007%). This sequence change creates a premature translational stop signal (p.Tyr429*) in the MUT gene. It is expected to result in an absent or disrupted protein product. Loss-of-function variants in MUT are known to be pathogenic (PMID: 15781192).

Women's Health and Genetics/Laboratory Corporation of America, LabCorp
Classification: Pathogenic for Methylmalonic acidemia. Last evaluated: 2022-07-25. Review status: criteria provided, single submitter. Criteria: LabCorp Variant Classification Summary - May 2015. Collection method: clinical testing. Allele origin: germline.
Comment: Variant summary: MUT c.1287C>G (p.Tyr429X) results in a premature termination codon, predicted to cause a truncation of the encoded protein or absence of the protein due to nonsense mediated decay, which are commonly known mechanisms for disease. Truncations downstream of this position have been classified as pathogenic by our laboratory. The variant was absent in 251238 control chromosomes. c.1287C>G has been reported in the literature in individuals affected with Methylmalonic Acidemia (eg. Worgan_2006, Chu_2016). Three clinical diagnostic laboratories have submitted clinical-significance assessments for this variant to ClinVar after 2014 without evidence for independent evaluation. All laboratories classified the variant as pathogenic. Based on the evidence outlined above, the variant was classified as pathogenic.

Counsyl
Classification: Pathogenic for Methylmalonic aciduria due to methylmalonyl-CoA mutase deficiency. Last evaluated: 2017-10-11. Review status: no assertion criteria provided. Collection method: clinical testing. Allele origin: unknown. Not counted in ClinVar's aggregate classification.

Literature cited by the submitters: PubMed 16281286 (cited by 4 submitters); PubMed 15781192 (cited by Labcorp Genetics (formerly Invitae), Labcorp); PubMed 27233228 (cited by Women's Health and Genetics/Laboratory Corporation of America, LabCorp and Counsyl).

NM_000255.4(MMUT):c.1287C>G (p.Tyr429Ter)

Gene: MMUT (methylmalonyl-CoA mutase; minus strand). Cytogenetic location: 6p12.3.
Variant type: single nucleotide variant.
Coding change: c.1287C>G on transcript NM_000255.4 (MANE Select); coding-DNA position 1287, C replaced by G.
Protein change: p.Tyr429Ter; replaces tyrosine 429 with a stop codon.
Molecular consequence: nonsense.
Genome position (GRCh38, 1-based): chr6:49,451,511, G>C on the plus strand (C>G on the coding strand, the complement: MMUT is on the minus strand). VCF-style: chr6-49451511-G-C. GRCh37 (hg19) VCF-style: chr6-49419224-G-C.
Other names: short protein forms Y429*.
Identifiers: ClinVar variation 554278 (VCV000554278.12), dbSNP rs1346775255, ClinGen allele CA364398724.